The following is an entry in ClinVar:

ClinVar aggregate classification (germline): Uncertain significance (1 of 4 stars; one submission).

Conditions:
Epileptic encephalopathy. Identifiers: MedGen C0543888, HP:0200134.

Allele frequency attached by ClinVar (database versions not stated): gnomAD 0.00006; TOPMed 0.00012.
gnomAD v4.1: 228 of 1,612,520 alleles (0.014%); highest among the groups gnomAD compares: Admixed American, 0.042%; no homozygotes.

Submission:

Labcorp Genetics (formerly Invitae), Labcorp
Classification: Uncertain significance for Epileptic encephalopathy. Last evaluated: 2025-07-01. Review status: criteria provided, single submitter. Criteria: Invitae Variant Classification Sherloc (09022015). Collection method: clinical testing. Allele origin: germline.
Comment: This sequence change replaces histidine, which is basic and polar, with arginine, which is basic and polar, at codon 1832 of the FASN protein (p.His1832Arg). This variant is present in population databases (rs559153593, gnomAD 0.04%). This variant has not been reported in the literature in individuals affected with FASN-related conditions. ClinVar contains an entry for this variant (Variation ID: 530983). An algorithm developed to predict the effect of missense changes on protein structure and function outputs the following: PolyPhen-2: "Benign". The arginine amino acid residue is found in multiple mammalian species, which suggests that this missense change does not adversely affect protein function. In summary, the available evidence is currently insufficient to determine the role of this variant in disease. Therefore, it has been classified as a Variant of Uncertain Significance.

NM_004104.5(FASN):c.5495A>G (p.His1832Arg)

Gene: FASN (fatty acid synthase; minus strand). Cytogenetic location: 17q25.3.
Variant type: single nucleotide variant.
Coding change: c.5495A>G on transcript NM_004104.5 (MANE Select); coding-DNA position 5495, A replaced by G.
Protein change: p.His1832Arg; replaces histidine 1832 with arginine.
Molecular consequence: missense variant.
Genome position (GRCh38, 1-based): chr17:82,083,272, T>C on the plus strand (A>G on the coding strand, the complement: FASN is on the minus strand). VCF-style: chr17-82083272-T-C. GRCh37 (hg19) VCF-style: chr17-80041148-T-C.
Other names: short protein forms H1832R.
Identifiers: ClinVar variation 530983 (VCV000530983.8), dbSNP rs559153593, ClinGen allele CA8851667.